The following is an entry in ClinVar:

ClinVar aggregate classification (germline): Benign (0 of 4 stars; one submission).

Conditions:
FAM157B-related disorder. Also called: FAM157B-related condition.

Allele frequency attached by ClinVar (database versions not stated): gnomAD exomes 0.95283; ESP Exome Variant Server 0.95894; ExAC 0.96639; TOPMed 0.96677; gnomAD 0.96735; 1000 Genomes Project 0.98143; 1000 Genomes Project 30x 0.98189.
gnomAD v4.1: 1,537,735 of 1,610,904 alleles (95%); highest among the groups gnomAD compares: East Asian, 100%; 734,227 homozygotes.

Submission:

PreventionGenetics, part of Exact Sciences
Classification: Benign for FAM157B-related condition. Last evaluated: 2019-07-18. Review status: no assertion criteria provided. Collection method: clinical testing. Allele origin: germline.
Comment: This variant is classified as benign based on ACMG/AMP sequence variant interpretation guidelines (Richards et al. 2015 PMID: 25741868, with internal and published modifications).

NM_001282680.3(GAPVD1):c.1518T>C (p.Ile506=)

Gene: GAPVD1 (GTPase activating protein and VPS9 domains 1; plus strand). Cytogenetic location: 9q33.3.
Variant type: single nucleotide variant.
Coding change: c.1518T>C on transcript NM_001282680.3 (MANE Select); coding-DNA position 1518, T replaced by C.
Protein change: p.Ile506=; no amino-acid change (isoleucine 506 retained).
Molecular consequence: synonymous variant. On other transcripts: non-coding transcript variant (2).
Genome position (GRCh38, 1-based): chr9:125,312,528, T>C. VCF-style: chr9-125312528-T-C. GRCh37 (hg19) VCF-style: chr9-128074807-T-C.
Other names: c.1518T>C, p.Ile506= (NM_001282679.2, NM_001282681.3, NM_001330777.3 and 10 more transcripts).
Identifiers: ClinVar variation 3060575 (VCV003060575.2), dbSNP rs432757, ClinGen allele CA5240207.
Genomic context (GRCh38, chr9:125,312,528, plus strand): 5'-CCGCACCAATATGCTAATGGACCTACATATGGACCATGAAGGATCATCTCAAGAAACCAT[T>C]CAGGAGGTGCAACCAGAAGAGGTGTTGGTCATTTCCTTAGGTACAGGTCCCCAGCTTACT-3'
Protein context (NP_001269609.1, residues 496-516): MDHEGSSQET[Ile506=]QEVQPEEVLV